The following is an entry in ClinVar:

NM_022114.4(PRDM16):c.1495C>T (p.Pro499Ser)

Gene: PRDM16 (PR/SET domain 16; plus strand). Cytogenetic location: 1p36.32.
Variant type: single nucleotide variant.
Coding change: c.1495C>T on transcript NM_022114.4 (MANE Select); coding-DNA position 1495, C replaced by T.
Protein change: p.Pro499Ser; replaces proline 499 with serine.
Molecular consequence: missense variant.
Genome position (GRCh38, 1-based): chr1:3,411,692, C>T. VCF-style: chr1-3411692-C-T. GRCh37 (hg19) VCF-style: chr1-3328256-C-T.
Other names: c.1495C>T, p.Pro499Ser (NM_199454.3); short protein forms P499S.
Identifiers: ClinVar variation 474406 (VCV000474406.8), dbSNP rs1553176454, ClinGen allele CA337997772.
Genomic context (GRCh38, chr1:3,411,692, plus strand): 5'-AATCACGCCAGCCTGGGCTTCAACGAGTACTTTCCCTCCAGGCCGCACCCGGGGAGCCTG[C>T]CCTTCTCCACGGCGCCTCCCACGTTCCCCGCACTCACCCCCGGCTTCCCGGGCATCTTCC-3'
Protein context (NP_071397.3, residues 489-509): FPSRPHPGSL[Pro499Ser]FSTAPPTFPA

ClinVar aggregate classification (germline): Uncertain significance (1 of 4 stars; one submission).

Conditions:
Left ventricular noncompaction 8 (LVNC8). Identifiers: Orphanet 154, Orphanet 54260, MedGen C3809288, MONDO:0014152, OMIM 615373.

Allele frequency attached by ClinVar (database versions not stated): gnomAD exomes 0.00001.
gnomAD v4.1: 4 of 1,610,284 alleles (0.00025%); highest among the groups gnomAD compares: South Asian, 0.0033%; no homozygotes.

Submission:

Labcorp Genetics (formerly Invitae), Labcorp
Classification: Uncertain significance for Left ventricular noncompaction 8. Last evaluated: 2017-05-15. Review status: criteria provided, single submitter. Criteria: Invitae Variant Classification Sherloc (09022015). Collection method: clinical testing. Allele origin: germline.
Comment: In summary, this variant is a novel missense change with uncertain impact on protein function. It has been classified as a Variant of Uncertain Significance. Algorithms developed to predict the effect of missense changes on protein structure and function do not agree on the potential impact of this missense change (SIFT: "Tolerated"; PolyPhen-2: "Possibly Damaging"; Align-GVGD: "Class C0"). This variant is not present in population databases (ExAC no frequency) and has not been reported in the literature in individuals with a PRDM16-related disease. This sequence change replaces proline with serine at codon 499 of the PRDM16 protein (p.Pro499Ser). The proline residue is highly conserved and there is a moderate physicochemical difference between proline and serine.